The following is an entry in ClinVar:

ClinVar aggregate classification (germline): Uncertain significance. Review status: criteria provided, single submitter (1 of 4 stars). 2 submissions from 2 submitters: Uncertain significance (1). 1 of the submissions does not count toward it. Last evaluated 2023-05-24.

Conditions:
Ellis-van Creveld syndrome (EVC). Also called: MESOECTODERMAL DYSPLASIA; EVC-Related Ellis-van Creveld Syndrome; EVC2-Related Ellis-van Creveld Syndrome; Chondroectodermal dysplasia. Identifiers: Orphanet 289, MedGen C0013903, MONDO:0009162, OMIM 225500.

Submissions (2):

ARUP Laboratories, Molecular Genetics and Genomics, ARUP Laboratories
Classification: Uncertain significance. Last evaluated: 2023-05-24. Review status: criteria provided, single submitter. Criteria: ARUP Molecular Germline Variant Investigation Process 2024. Collection method: clinical testing. Allele origin: germline.
Comment: The EVC2 c.3879_3881del; p.Lys1293del variant (rs752839237), to our knowledge, is not reported in the medical literature but is reported in ClinVar (Variation ID: 550613). This variant is found in the Latino/Admixed American population with an allele frequency of 0.07% (25/35434 alleles) in the Genome Aggregation Database. This variant deletes a single lysine residue leaving the rest of the protein in-frame. Due to limited information, the clinical significance of this variant is uncertain at this time.

Counsyl
Classification: Uncertain significance for Ellis-van Creveld syndrome. Last evaluated: 2017-02-03. Review status: no assertion criteria provided. Collection method: clinical testing. Allele origin: unknown. Not counted in ClinVar's aggregate classification.

NM_147127.5(EVC2):c.3876GAA[1] (p.Lys1293del)

Gene: EVC2 (EvC ciliary complex subunit 2; minus strand). Cytogenetic location: 4p16.2.
Variant type: Microsatellite.
Coding change: c.3876GAA[1] on transcript NM_147127.5 (MANE Select); one copy of the 3-base unit GAA starting at c.3876; the reference has two copies in a row; one copy, 3 bases deleted.
Protein change: p.Lys1293del; deletes lysine 1293.
Molecular consequence: inframe deletion.
Genome position (GRCh38, 1-based): chr4:5,562,894-5,562,896, TTC deleted on the plus strand (GAA on the coding strand, the reverse complement: EVC2 is on the minus strand); deleting any 3 consecutive bases within chr4:5,562,894-5,562,901 gives the same sequence; the position shown is the placement nearest the transcript's 3' end. VCF-style (leftmost placement, unchanged base first): chr4-5562893-GTTC-G. GRCh37 (hg19) VCF-style: chr4-5564620-GTTC-G.
Other names: c.3636GAA[1], p.Lys1213del (NM_001166136.2); short protein forms K1293del, K1213del.
Identifiers: ClinVar variation 550613 (VCV000550613.3), dbSNP rs752839237, ClinGen allele CA2834165.